The following is an entry in ClinVar:

NM_000179.3(MSH6):c.2440A>C (p.Lys814Gln)

Gene: MSH6 (mutS homolog 6; plus strand). Cytogenetic location: 2p16.3.
Variant type: single nucleotide variant.
Coding change: c.2440A>C on transcript NM_000179.3 (MANE Select); coding-DNA position 2440, A replaced by C.
Protein change: p.Lys814Gln; replaces lysine 814 with glutamine.
Molecular consequence: missense variant.
Genome position (GRCh38, 1-based): chr2:47,800,423, A>C. VCF-style: chr2-47800423-A-C. GRCh37 (hg19) VCF-style: chr2-48027562-A-C.
Other names: c.2050A>C, p.Lys684Gln (NM_001281492.2); c.1534A>C, p.Lys512Gln (NM_001281493.2, NM_001281494.2); short protein forms K814Q, K512Q, K684Q.
Identifiers: ClinVar variation 418327 (VCV000418327.18), dbSNP rs1064793190, ClinGen allele CA16617673.
Genomic context (GRCh38, chr2:47,800,423, plus strand): 5'-GCCATAGAAGACCTCATGGTTGTGCCTGACAAAATCTCCGAAGTTGTAGAGCTTCTAAAG[A>C]AGCTTCCAGATCTTGAGAGGCTACTCAGTAAAATTCATAATGTTGGGTCTCCCCTGAAGA-3'
Protein context (NP_000170.1, residues 804-824): KISEVVELLK[Lys814Gln]LPDLERLLSK

ClinVar aggregate classification (germline): Uncertain significance. Review status: criteria provided, multiple submitters, no conflicts (2 of 4 stars). 5 submissions from 5 submitters: Uncertain significance (5). Last evaluated 2025-11-28.

Conditions:
Hereditary cancer-predisposing syndrome. Also called: Neoplastic Syndromes, Hereditary; Tumor predisposition; Hereditary neoplastic syndrome; Hereditary Cancer Syndrome. Identifiers: Orphanet 140162, MedGen C0027672, MeSH D009386, MONDO:0015356.
Lynch syndrome 5 (LYNCH5). Also called: Colorectal cancer, hereditary nonpolyposis, type 5; Hereditary non-polyposis colorectal cancer, type 5. Identifiers: Orphanet 144, MedGen C1833477, MONDO:0013710, OMIM 614350. Disease mechanism: loss of function.
Hereditary nonpolyposis colorectal neoplasms. Identifiers: MedGen C0009405, MeSH D003123.

gnomAD v4.1: 1 of 1,614,074 alleles (0.000062%); highest among the groups gnomAD compares: Non-Finnish European, 0.000085%; no homozygotes.

Submissions (5):

Ambry Genetics
Classification: Uncertain significance for Hereditary cancer-predisposing syndrome. Last evaluated: 2025-11-28. Review status: criteria provided, single submitter. Criteria: Ambry Variant Classification Scheme 2023. Collection method: clinical testing. Allele origin: germline.
Comment: The p.K814Q variant (also known as c.2440A>C), located in coding exon 4 of the MSH6 gene, results from an A to C substitution at nucleotide position 2440. The lysine at codon 814 is replaced by glutamine, an amino acid with similar properties. This amino acid position is highly conserved in available vertebrate species. In addition, the in silico prediction for this alteration is inconclusive. Since supporting evidence is limited at this time, the clinical significance of this alteration remains unclear.

3billion
Classification: Uncertain significance for Lynch syndrome 5. Last evaluated: 2025-06-24. Review status: criteria provided, single submitter. Criteria: ACMG Guidelines, 2015. Collection method: clinical testing. Allele origin: germline. Affected: yes.
Comment: The variant is observed at an extremely low frequency in the gnomAD v4.1.0 dataset (total allele frequency: <0.001%). Predicted Consequence/Location: Missense variant. The majority of the known disease-causing variants of this gene are variants expected to result in premature termination of the protein. In silico tool predictions suggest damaging effect of the variant on gene or gene product [REVEL: 0.65 (>=0.6, sensitivity 0.68 and specificity 0.92)]. The variant has been reported as of uncertain significance (ClinVar ID: VCV000418327). Different missense changes at the same codon have been reported as of uncertain significance (ClinVar ID: VCV001491944). Therefore, this variant is classified as VUS according to the recommendation of ACMG/AMP guideline.

Color Diagnostics, LLC DBA Color Health
Classification: Uncertain significance for Hereditary cancer-predisposing syndrome. Last evaluated: 2024-03-06. Review status: criteria provided, single submitter. Criteria: ACMG Guidelines, 2015. Collection method: clinical testing. Allele origin: germline.
Comment: This missense variant replaces lysine with glutamine at codon 814 of the MSH6 protein. Computational prediction is inconclusive regarding the impact of this variant on protein structure and function (internally defined REVEL score threshold 0.5 < inconclusive < 0.7, PMID: 27666373). To our knowledge, functional studies have not been reported for this variant. This variant has not been reported in individuals affected with hereditary cancer in the literature. This variant has not been identified in the general population by the Genome Aggregation Database (gnomAD). The available evidence is insufficient to determine the role of this variant in disease conclusively. Therefore, this variant is classified as a Variant of Uncertain Significance.

Labcorp Genetics (formerly Invitae), Labcorp
Classification: Uncertain significance for Hereditary nonpolyposis colorectal neoplasms. Last evaluated: 2023-10-23. Review status: criteria provided, single submitter. Criteria: Invitae Variant Classification Sherloc (09022015). Collection method: clinical testing. Allele origin: germline.
Comment: This sequence change replaces lysine, which is basic and polar, with glutamine, which is neutral and polar, at codon 814 of the MSH6 protein (p.Lys814Gln). This variant is not present in population databases (gnomAD no frequency). This variant has not been reported in the literature in individuals affected with MSH6-related conditions. ClinVar contains an entry for this variant (Variation ID: 418327). Advanced modeling of protein sequence and biophysical properties (such as structural, functional, and spatial information, amino acid conservation, physicochemical variation, residue mobility, and thermodynamic stability) performed at Invitae indicates that this missense variant is not expected to disrupt MSH6 protein function. In summary, the available evidence is currently insufficient to determine the role of this variant in disease. Therefore, it has been classified as a Variant of Uncertain Significance.

GeneDx
Classification: Uncertain significance. Last evaluated: 2022-02-25. Review status: criteria provided, single submitter. Criteria: GeneDx Variant Classification Process June 2021. Collection method: clinical testing. Allele origin: germline. Affected: yes.
Comment: Not observed at significant frequency in large population cohorts (gnomAD); In silico analysis supports that this missense variant does not alter protein structure/function; Has not been previously published as pathogenic or benign to our knowledge; This variant is associated with the following publications: (PMID: 17531815, 21120944)